The following is an entry in ClinVar:

NM_000492.4(CFTR):c.2035T>C (p.Trp679Arg)

Gene: CFTR (CF transmembrane conductance regulator; plus strand). Cytogenetic location: 7q31.2.
Variant type: single nucleotide variant.
Coding change: c.2035T>C on transcript NM_000492.4 (MANE Select); coding-DNA position 2035, T replaced by C.
Protein change: p.Trp679Arg; replaces tryptophan 679 with arginine.
Molecular consequence: missense variant.
Genome position (GRCh38, 1-based): chr7:117,592,202, T>C. VCF-style: chr7-117592202-T-C. GRCh37 (hg19) VCF-style: chr7-117232256-T-C.
Other names: short protein forms W679R.
Identifiers: ClinVar variation 1784814 (VCV001784814.2), dbSNP rs2485109774, ClinGen allele CA368979334.
Genomic context (GRCh38, chr7:117,592,202, plus strand): 5'-AATTCAATCCTAACTGAGACCTTACACCGTTTCTCATTAGAAGGAGATGCTCCTGTCTCC[T>C]GGACAGAAACAAAAAAACAATCTTTTAAACAGACTGGAGAGTTTGGGGAAAAAAGGAAGA-3'
Protein context (NP_000483.3, residues 669-689): FSLEGDAPVS[Trp679Arg]TETKKQSFKQ

ClinVar aggregate classification (germline): Uncertain significance (1 of 4 stars; one submission).

Conditions:
Cystic fibrosis (CF). Also called: MUCOVISCIDOSIS. Identifiers: Orphanet 586, MedGen C0010674, MONDO:0009061, OMIM 219700. Disease mechanism: loss of function.

Submission:

Ambry Genetics
Classification: Uncertain significance for Cystic fibrosis. Last evaluated: 2022-04-25. Review status: criteria provided, single submitter. Criteria: Ambry Variant Classification Scheme 2023. Collection method: clinical testing. Allele origin: germline.
Comment: The p.W679R variant (also known as c.2035T>C), located in coding exon 14 of the CFTR gene, results from a T to C substitution at nucleotide position 2035. The tryptophan at codon 679 is replaced by arginine, an amino acid with dissimilar properties. This amino acid position is conserved. In addition, the in silico prediction for this alteration is inconclusive. Since supporting evidence is limited at this time, the clinical significance of this alteration remains unclear.